The following is an entry in ClinVar:

ClinVar aggregate classification (germline): Pathogenic/Likely pathogenic. Review status: criteria provided, multiple submitters, no conflicts (2 of 4 stars). 2 submissions from 2 submitters: Pathogenic (1); Likely pathogenic (1). Last evaluated 2026-01-25.

Conditions:
Spastic paraplegia. Identifiers: MedGen C0037772, HP:0001258.
Charlevoix-Saguenay spastic ataxia (SACS). Also called: AUTOSOMAL RECESSIVE SPASTIC ATAXIA OF CHARLEVOIX-SAGUENAY; SPASTIC ATAXIA 6, AUTOSOMAL RECESSIVE; Spastic ataxia of Charlevoix-Saguenay. Identifiers: Orphanet 98, MedGen C1849140, MONDO:0010041, OMIM 270550.

Submissions (2):

Labcorp Genetics (formerly Invitae), Labcorp
Classification: Pathogenic for Spastic paraplegia. Last evaluated: 2026-01-25. Review status: criteria provided, single submitter. Criteria: Invitae Variant Classification Sherloc (09022015). Collection method: clinical testing. Allele origin: germline.
Comment: This sequence change creates a premature translational stop signal (p.Lys4297Serfs*11) in the SACS gene. While this is not anticipated to result in nonsense mediated decay, it is expected to disrupt the last 283 amino acid(s) of the SACS protein. This variant is not present in population databases (gnomAD no frequency). This variant has not been reported in the literature in individuals affected with SACS-related conditions. ClinVar contains an entry for this variant (Variation ID: 3240418). This variant disrupts a region of the SACS protein in which other variant(s) (p.Asn4549Asp) have been determined to be pathogenic (PMID: 15156359, 21507954). This suggests that this is a clinically significant region of the protein, and that variants that disrupt it are likely to be disease-causing. For these reasons, this variant has been classified as Pathogenic.

Baylor Genetics
Classification: Likely pathogenic for Charlevoix-Saguenay spastic ataxia. Last evaluated: 2023-12-19. Review status: criteria provided, single submitter. Criteria: ACMG Guidelines, 2015. Collection method: clinical testing. Allele origin: unknown.

Literature cited by the submitters: PubMed 15156359 (cited by Labcorp Genetics (formerly Invitae), Labcorp); PubMed 21507954 (cited by Labcorp Genetics (formerly Invitae), Labcorp).

NM_014363.6(SACS):c.12890del (p.Lys4297fs)

Gene: SACS (sacsin molecular chaperone; minus strand). Cytogenetic location: 13q12.12.
Variant type: Deletion.
Coding change: c.12890del on transcript NM_014363.6 (MANE Select); coding-DNA position 12890, one base deleted (A; older notation c.12890delA).
Protein change: p.Lys4297fs; shifts the reading frame from lysine 4297.
Molecular consequence: frameshift variant.
Genome position (GRCh38, 1-based): chr13:23,330,986, T deleted on the plus strand (A on the coding strand, the reverse complement: SACS is on the minus strand); the first of 5 consecutive T bases (chr13:23,330,986-23,330,990); deleting any one gives the same sequence. VCF-style (leftmost placement, unchanged base first): chr13-23330985-CT-C. GRCh37 (hg19) VCF-style: chr13-23905124-CT-C.
Other names: c.12449del, p.Lys4150fs (NM_001278055.2); short protein forms K4150fs, K4297fs.
Identifiers: ClinVar variation 3240418 (VCV003240418.2), dbSNP rs2542147207.